The following is an entry in ClinVar:

ClinVar aggregate classification (germline): Uncertain significance. Review status: criteria provided, multiple submitters, no conflicts (2 of 4 stars). 2 submissions from 2 submitters: Uncertain significance (2). Last evaluated 2024-07-25.

Allele frequency attached by ClinVar (database versions not stated): gnomAD exomes below 0.00001; ExAC 0.00001.
gnomAD v4.1: 2 of 1,613,066 alleles (0.00012%); highest among the groups gnomAD compares: East Asian, 0.0045%; no homozygotes.

Submissions (2):

Labcorp Genetics (formerly Invitae), Labcorp
Classification: Uncertain significance. Last evaluated: 2024-07-25. Review status: criteria provided, single submitter. Criteria: Invitae Variant Classification Sherloc (09022015). Collection method: clinical testing. Allele origin: germline.
Comment: This sequence change replaces glutamic acid, which is acidic and polar, with glycine, which is neutral and non-polar, at codon 263 of the TERF2IP protein (p.Glu263Gly). This variant is present in population databases (rs770851399, gnomAD 0.01%). This variant has not been reported in the literature in individuals affected with TERF2IP-related conditions. ClinVar contains an entry for this variant (Variation ID: 1761028). An algorithm developed to predict the effect of missense changes on protein structure and function (PolyPhen-2) suggests that this variant is likely to be disruptive. In summary, the available evidence is currently insufficient to determine the role of this variant in disease. Therefore, it has been classified as a Variant of Uncertain Significance.

Ambry Genetics
Classification: Uncertain significance. Last evaluated: 2022-09-10. Review status: criteria provided, single submitter. Criteria: Ambry Variant Classification Scheme 2023. Collection method: clinical testing. Allele origin: germline.
Comment: The p.E263G variant (also known as c.788A>G), located in coding exon 2 of the TERF2IP gene, results from an A to G substitution at nucleotide position 788. The glutamic acid at codon 263 is replaced by glycine, an amino acid with similar properties. This amino acid position is conserved. In addition, this alteration is predicted to be tolerated by in silico analysis. Since supporting evidence is limited at this time, the clinical significance of this alteration remains unclear.

NM_018975.4(TERF2IP):c.788A>G (p.Glu263Gly)

Gene: TERF2IP (TERF2 interacting protein; plus strand). Cytogenetic location: 16q23.1.
Variant type: single nucleotide variant.
Coding change: c.788A>G on transcript NM_018975.4 (MANE Select); coding-DNA position 788, A replaced by G.
Protein change: p.Glu263Gly; replaces glutamic acid 263 with glycine.
Molecular consequence: missense variant. On other transcripts: non-coding transcript variant (1).
Genome position (GRCh38, 1-based): chr16:75,654,390, A>G. VCF-style: chr16-75654390-A-G. GRCh37 (hg19) VCF-style: chr16-75688288-A-G.
Other names: short protein forms E263G.
Identifiers: ClinVar variation 1761028 (VCV001761028.4), dbSNP rs770851399, ClinGen allele CA8178081.
Genomic context (GRCh38, chr16:75,654,390, plus strand): 5'-TCCAGGAGAATGAAGAAGCAGTCAAAAAGATGCTTGTGGAAGCCACCCGGGAGTTTGAGG[A>G]GGTTGTGGTATGTTAACTAGATTTACTCATTATTTTTTTCCCTACCTTCATTCTTCTTTG-3'
Protein context (NP_061848.2, residues 253-273): MLVEATREFE[Glu263Gly]VVVDESPPDF